The following is an entry in ClinVar:

ClinVar aggregate classification (germline): Uncertain significance. Review status: criteria provided, multiple submitters, no conflicts (2 of 4 stars). 3 submissions from 3 submitters: Uncertain significance (3). Last evaluated 2026-04-11.

Conditions:
Distal myopathy with posterior leg and anterior hand involvement. Also called: WILLIAMS DISTAL MYOPATHY. Identifiers: Orphanet 63273, MedGen C3279722, MONDO:0013550, OMIM 614065.
Myofibrillar myopathy 5. Also called: Filaminopathy (type); FILAMINOPATHY, AUTOSOMAL DOMINANT. Identifiers: Orphanet 171445, MedGen C1836050, MONDO:0012289, OMIM 609524.
Hypertrophic cardiomyopathy 26. Also called: Cardiomyopathy, familial hypertrophic, 26. Identifiers: Orphanet 75249, MedGen C4310749, MONDO:0014883, OMIM 617047.
Cardiovascular phenotype. Identifiers: MedGen CN230736.

Allele frequency attached by ClinVar (database versions not stated): TOPMed below 0.00001; gnomAD exomes 0.00001.
gnomAD v4.1: 5 of 1,613,824 alleles (0.00031%); highest among the groups gnomAD compares: Non-Finnish European, 0.00034%; no homozygotes.

Submissions (3):

Ambry Genetics
Classification: Uncertain significance for Cardiovascular phenotype. Last evaluated: 2026-04-11. Review status: criteria provided, single submitter. Criteria: Ambry Variant Classification Scheme 2023. Collection method: clinical testing. Allele origin: germline.
Comment: The p.G947D variant (also known as c.2840G>A), located in coding exon 19 of the FLNC gene, results from a G to A substitution at nucleotide position 2840. The glycine at codon 947 is replaced by aspartic acid, an amino acid with similar properties. This amino acid position is conserved. In addition, this alteration is predicted to be deleterious by in silico analysis. Based on the available evidence, the clinical significance of this variant remains unclear.

Laboratory of Genetics, Children's Clinical University Hospital Latvia
Classification: Uncertain significance. Last evaluated: 2025-02-16. Review status: criteria provided, single submitter. Criteria: ACMG Guidelines, 2015. Collection method: clinical testing. Allele origin: germline. Affected: yes.

Labcorp Genetics (formerly Invitae), Labcorp
Classification: Uncertain significance for Distal myopathy with posterior leg and anterior hand involvement; Myofibrillar myopathy 5; Hypertrophic cardiomyopathy 26. Last evaluated: 2024-04-03. Review status: criteria provided, single submitter. Criteria: Invitae Variant Classification Sherloc (09022015). Collection method: clinical testing. Allele origin: germline.
Comment: This sequence change replaces glycine, which is neutral and non-polar, with aspartic acid, which is acidic and polar, at codon 947 of the FLNC protein (p.Gly947Asp). This variant is present in population databases (no rsID available, gnomAD 0.004%). This variant has not been reported in the literature in individuals affected with FLNC-related conditions. ClinVar contains an entry for this variant (Variation ID: 2085821). Advanced modeling of protein sequence and biophysical properties (such as structural, functional, and spatial information, amino acid conservation, physicochemical variation, residue mobility, and thermodynamic stability) has been performed at Invitae for this missense variant, however the output from this modeling did not meet the statistical confidence thresholds required to predict the impact of this variant on FLNC protein function. In summary, the available evidence is currently insufficient to determine the role of this variant in disease. Therefore, it has been classified as a Variant of Uncertain Significance.

NM_001458.5(FLNC):c.2840G>A (p.Gly947Asp)

Gene: FLNC (filamin C; plus strand). Cytogenetic location: 7q32.1.
Variant type: single nucleotide variant.
Coding change: c.2840G>A on transcript NM_001458.5 (MANE Select); coding-DNA position 2840, G replaced by A.
Protein change: p.Gly947Asp; replaces glycine 947 with aspartic acid.
Molecular consequence: missense variant.
Genome position (GRCh38, 1-based): chr7:128,843,824, G>A. VCF-style: chr7-128843824-G-A. GRCh37 (hg19) VCF-style: chr7-128483878-G-A.
Other names: c.2840G>A, p.Gly947Asp (NM_001127487.2); short protein forms G947D.
Identifiers: ClinVar variation 2085821 (VCV002085821.6), dbSNP rs993226627, ClinGen allele CA166177047.